The following is an entry in ClinVar:

ClinVar aggregate classification (germline): Conflicting classifications of pathogenicity. Review status: criteria provided, conflicting classifications (1 of 4 stars). 6 submissions from 6 submitters: Likely pathogenic (3); Uncertain significance (3). Last evaluated 2026-03-17.

Conditions:
Hereditary cancer-predisposing syndrome. Also called: Neoplastic Syndromes, Hereditary; Hereditary Cancer Syndrome; Tumor predisposition; Hereditary neoplastic syndrome. Identifiers: Orphanet 140162, MedGen C0027672, MeSH D009386, MONDO:0015356.
Ovarian cancer. Also called: OVARIAN CANCER, SOMATIC. Identifiers: Orphanet 213500, MedGen C1140680, MONDO:0008170, OMIM 167000.
Fanconi anemia complementation group O. Also called: RAD51C-Related Fanconi Anemia. Identifiers: Orphanet 84, MedGen C3150653, MONDO:0013248, OMIM 613390.
Breast-ovarian cancer, familial, susceptibility to, 3. Also called: RAD51C-Related Breast/Ovarian Cancer. Identifiers: Orphanet 145, MedGen C3150659, MONDO:0013253, OMIM 613399.

Allele frequency attached by ClinVar (database versions not stated): TOPMed below 0.00001; gnomAD exomes 0.00001 and below 0.00001.
gnomAD v4.1: 4 of 1,610,554 alleles (0.00025%); highest among the groups gnomAD compares: South Asian, 0.0011%; no homozygotes.

Submissions (6):

Institute of Human Genetics, University of Leipzig Medical Center
Classification: Likely pathogenic for Breast-ovarian cancer, familial, susceptibility to, 3. Last evaluated: 2026-03-17. Review status: criteria provided, single submitter. Criteria: ACMG Guidelines, 2015. Collection method: clinical testing. Allele origin: unknown. Inheritance: Autosomal dominant inheritance. Affected: yes.
Comment: Criteria applied: PS3,PS4_SUP,PM2_SUP,PP3

Labcorp Genetics (formerly Invitae), Labcorp
Classification: Uncertain significance for Fanconi anemia complementation group O. Last evaluated: 2026-01-28. Review status: criteria provided, single submitter. Criteria: Invitae Variant Classification Sherloc (09022015). Collection method: clinical testing. Allele origin: germline.
Comment: This sequence change replaces cysteine, which is neutral and slightly polar, with arginine, which is basic and polar, at codon 135 of the RAD51C protein (p.Cys135Arg). This variant is present in population databases (no rsID available, gnomAD 0.003%). This missense change has been observed in individual(s) with breast cancer and ovarian cancer (PMID: 28864920, 30093976). ClinVar contains an entry for this variant (Variation ID: 241771). An algorithm developed to predict the effect of missense changes on protein structure and function (PolyPhen-2) suggests that this variant is likely to be disruptive. Experimental studies have shown that this missense change affects RAD51C function (PMID: 28864920, 36099300, 39299233). In summary, the available evidence is currently insufficient to determine the role of this variant in disease. Therefore, it has been classified as a Variant of Uncertain Significance.

Ambry Genetics
Classification: Uncertain significance for Hereditary cancer-predisposing syndrome. Last evaluated: 2025-06-27. Review status: criteria provided, single submitter. Criteria: Ambry Variant Classification Scheme 2023. Collection method: clinical testing. Allele origin: germline.
Comment: The p.C135R variant (also known as c.403T>C), located in coding exon 2 of the RAD51C gene, results from a T to C substitution at nucleotide position 403. The cysteine at codon 135 is replaced by arginine, an amino acid with highly dissimilar properties. This alteration has been reported in individuals with breast and ovarian cancers (Chan GHJ et al. Oncotarget, 2018 Jul;9:30649-30660; Ding YC et al. Fam Cancer, 2018 04;17:187-195). In multiple assays testing RAD51C function, this variant showed functionally abnormal results (Prakash R et al. Proc Natl Acad Sci U S A, 2022 Sep;119:e2202727119; Olvera-Le&oacute;n R et al. Cell, 2024 Oct;187:5719-5734.e19). This amino acid position is highly conserved in available vertebrate species. In addition, this alteration is predicted to be deleterious by in silico analysis. Since supporting evidence is limited at this time, the clinical significance of this alteration remains unclear.

Myriad Genetics, Inc.
Classification: Likely pathogenic for Breast-ovarian cancer, familial, susceptibility to, 3. Last evaluated: 2024-11-25. Review status: criteria provided, single submitter. Criteria: Myriad Autosomal Dominant, Autosomal Recessive and X-Linked Classification Criteria (2023). Collection method: clinical testing. Allele origin: unknown.
Comment: This variant is considered likely pathogenic. Functional studies indicate this variant impacts protein function [PMID: 39299233, 36099300]. This variant is expected to disrupt protein structure [Myriad internal data].

Laboratory of Molecular Epidemiology of Birth Defects, West China Second University Hospital, Sichuan University
Classification: Likely pathogenic for Ovarian cancer. Last evaluated: 2022-01-01. Review status: criteria provided, single submitter. Criteria: ACMG Guidelines, 2015. Collection method: clinical testing. Allele origin: germline. Affected: yes.

Color Diagnostics, LLC DBA Color Health
Classification: Uncertain significance for Hereditary cancer-predisposing syndrome. Last evaluated: 2019-03-29. Review status: criteria provided, single submitter. Criteria: ACMG Guidelines, 2015. Collection method: clinical testing. Allele origin: germline.

Literature cited by the submitters: PubMed 28864920 (cited by Labcorp Genetics (formerly Invitae), Labcorp and Ambry Genetics); PubMed 30093976 (cited by Labcorp Genetics (formerly Invitae), Labcorp and Ambry Genetics); PubMed 36099300 (cited by 3 submitters); PubMed 39299233 (cited by 3 submitters).

NM_058216.3(RAD51C):c.403T>C (p.Cys135Arg)

Gene: RAD51C (RAD51 paralog C; plus strand). Cytogenetic location: 17q22.
Variant type: single nucleotide variant.
Coding change: c.403T>C on transcript NM_058216.3 (MANE Select); coding-DNA position 403, T replaced by C.
Protein change: p.Cys135Arg; replaces cysteine 135 with arginine.
Molecular consequence: missense variant. On other transcripts: non-coding transcript variant (2).
Genome position (GRCh38, 1-based): chr17:58,695,188, T>C. VCF-style: chr17-58695188-T-C. GRCh37 (hg19) VCF-style: chr17-56772549-T-C.
Other names: c.403T>C, p.Trp135Arg (NM_002876.4); short protein forms C135R, W135R.
Identifiers: ClinVar variation 241771 (VCV000241771.22), dbSNP rs878855178, ClinGen allele CA10583603.